The following is an entry in ClinVar:

ClinVar aggregate classification (germline): Likely benign. Review status: criteria provided, multiple submitters, no conflicts (2 of 4 stars). 2 submissions from 2 submitters: Likely benign (2). Last evaluated 2026-09-09.

Conditions:
Spastic paraplegia. Identifiers: MedGen C0037772, HP:0001258.
SACS-related disorder. Also called: SACS-related condition.

Allele frequency attached by ClinVar (database versions not stated): gnomAD 0.00001; TOPMed 0.00002.
gnomAD v4.1: 40 of 1,472,450 alleles (0.0027%); highest among the groups gnomAD compares: Non-Finnish European, 0.0035%; no homozygotes.

Submissions (2):

PreventionGenetics, part of Exact Sciences
Classification: Likely benign for SACS-related condition. Last evaluated: 2026-09-09. Review status: criteria provided, single submitter. Criteria: ACMG Guidelines, 2015. Collection method: clinical testing. Allele origin: germline.
Comment: This variant is classified as likely benign based on ACMG/AMP sequence variant interpretation guidelines (Richards et al. 2015 PMID: 25741868, with internal and published modifications).

Labcorp Genetics (formerly Invitae), Labcorp
Classification: Likely benign for Spastic paraplegia. Last evaluated: 2025-11-19. Review status: criteria provided, single submitter. Criteria: Invitae Variant Classification Sherloc (09022015). Collection method: clinical testing. Allele origin: germline.

NM_014363.6(SACS):c.27C>G (p.Val9=)

Genes: SACS (sacsin molecular chaperone; minus strand), LOC130009366 (ATAC-STARR-seq lymphoblastoid silent region 5172; plus strand). Cytogenetic location: 13q12.12.
Variant type: single nucleotide variant.
Coding change: c.27C>G on transcript NM_014363.6 (MANE Select); coding-DNA position 27, C replaced by G.
Protein change: p.Val9=; no amino-acid change (valine 9 retained).
Molecular consequence: synonymous variant. On other transcripts: 5 prime UTR variant (1).
Genome position (GRCh38, 1-based): chr13:23,375,263, G>C on the plus strand (C>G on the coding strand, the complement: SACS is on the minus strand). VCF-style: chr13-23375263-G-C. GRCh37 (hg19) VCF-style: chr13-23949402-G-C.
Other names: c.-327C>G (NM_001278055.2).
Identifiers: ClinVar variation 698881 (VCV000698881.10), dbSNP rs912218064, ClinGen allele CA246691877.